The following is an entry in ClinVar:

ClinVar aggregate classification (germline): Uncertain significance (1 of 4 stars; one submission).

Conditions:
Glycine encephalopathy. Also called: Nonketotic hyperglycinemia; Non-ketotic hyperglycinemia. Identifiers: Orphanet 407, MedGen C0751748, MONDO:0011612, HP:0008288.

Allele frequency attached by ClinVar (database versions not stated): gnomAD 0.00001.
gnomAD v4.1: 1 of 1,613,234 alleles (0.000062%); highest among the groups gnomAD compares: East Asian, 0.0022%; no homozygotes.

Submission:

Labcorp Genetics (formerly Invitae), Labcorp
Classification: Uncertain significance for Glycine encephalopathy. Last evaluated: 2022-06-25. Review status: criteria provided, single submitter. Criteria: Invitae Variant Classification Sherloc (09022015). Collection method: clinical testing. Allele origin: germline.
Comment: In summary, the available evidence is currently insufficient to determine the role of this variant in disease. Therefore, it has been classified as a Variant of Uncertain Significance. Advanced modeling of protein sequence and biophysical properties (such as structural, functional, and spatial information, amino acid conservation, physicochemical variation, residue mobility, and thermodynamic stability) performed at Invitae indicates that this missense variant is not expected to disrupt GLDC protein function. This variant has not been reported in the literature in individuals affected with GLDC-related conditions. This variant is present in population databases (no rsID available, gnomAD 0.06%). This sequence change replaces isoleucine, which is neutral and non-polar, with valine, which is neutral and non-polar, at codon 534 of the GLDC protein (p.Ile534Val).

NM_000170.3(GLDC):c.1600A>G (p.Ile534Val)

Gene: GLDC (glycine decarboxylase; minus strand). Cytogenetic location: 9p24.1.
Variant type: single nucleotide variant.
Coding change: c.1600A>G on transcript NM_000170.3 (MANE Select); coding-DNA position 1600, A replaced by G.
Protein change: p.Ile534Val; replaces isoleucine 534 with valine.
Molecular consequence: missense variant.
Genome position (GRCh38, 1-based): chr9:6,588,683, T>C on the plus strand (A>G on the coding strand, the complement: GLDC is on the minus strand). VCF-style: chr9-6588683-T-C. GRCh37 (hg19) VCF-style: chr9-6588683-T-C.
Other names: short protein forms I534V.
Identifiers: ClinVar variation 2198616 (VCV002198616.4), dbSNP rs1472951334, ClinGen allele CA372892840.